The following is an entry in ClinVar:

ClinVar aggregate classification (germline): Pathogenic/Likely pathogenic. Review status: criteria provided, multiple submitters, no conflicts (2 of 4 stars). 2 submissions from 2 submitters: Pathogenic (1); Likely pathogenic (1). Last evaluated 2022-08-31.

Conditions:
Deficiency of hyaluronoglucosaminidase (MPS9). Also called: MPS IX; Mucopolysaccharidosis type 9; HYALURONIDASE DEFICIENCY. Identifiers: Orphanet 67041, MedGen C1291490, MONDO:0011093, OMIM 601492.

Allele frequency attached by ClinVar (database versions not stated): gnomAD exomes below 0.00001; TOPMed below 0.00001; gnomAD 0.00001.
gnomAD v4.1: 2 of 1,614,054 alleles (0.00012%); highest among the groups gnomAD compares: Non-Finnish European, 0.00017%; no homozygotes.

Submissions (2):

Labcorp Genetics (formerly Invitae), Labcorp
Classification: Pathogenic for Deficiency of hyaluronoglucosaminidase. Last evaluated: 2022-08-31. Review status: criteria provided, single submitter. Criteria: Invitae Variant Classification Sherloc (09022015). Collection method: clinical testing. Allele origin: germline.
Comment: This variant has not been reported in the literature in individuals affected with HYAL1-related conditions. This sequence change creates a premature translational stop signal (p.Trp130*) in the HYAL1 gene. It is expected to result in an absent or disrupted protein product. Loss-of-function variants in HYAL1 are known to be pathogenic (PMID: 10339581, 21559944). This variant is not present in population databases (gnomAD no frequency). For these reasons, this variant has been classified as Pathogenic.

Department of Pathology and Laboratory Medicine, Sinai Health System
Classification: Likely pathogenic for Deficiency of hyaluronoglucosaminidase. Last evaluated: 2022-06-27. Review status: criteria provided, single submitter. Criteria: ACMG Guidelines, 2015. Collection method: research. Allele origin: germline.

Literature cited by the submitters: PubMed 10339581 (cited by Labcorp Genetics (formerly Invitae), Labcorp); PubMed 21559944 (cited by Labcorp Genetics (formerly Invitae), Labcorp).

NM_033159.4(HYAL1):c.390G>A (p.Trp130Ter)

Gene: HYAL1 (hyaluronidase 1; minus strand). Cytogenetic location: 3p21.31.
Variant type: single nucleotide variant.
Coding change: c.390G>A on transcript NM_033159.4 (MANE Select); coding-DNA position 390, G replaced by A.
Protein change: p.Trp130Ter; replaces tryptophan 130 with a stop codon.
Molecular consequence: nonsense. On other transcripts: 5 prime UTR variant (1), non-coding transcript variant (1), intron variant (1).
Genome position (GRCh38, 1-based): chr3:50,302,567, C>T on the plus strand (G>A on the coding strand, the complement: HYAL1 is on the minus strand). VCF-style: chr3-50302567-C-T. GRCh37 (hg19) VCF-style: chr3-50339998-C-T.
Other names: c.390G>A, p.Trp130Ter (NM_007312.3, NM_153281.2, NM_153282.3); c.-157G>A (NM_153283.3); c.-26-362G>A (NM_153285.3); short protein forms W130*.
Identifiers: ClinVar variation 2199188 (VCV002199188.5), dbSNP rs1386542234, ClinGen allele CA352894603.
Genomic context (GRCh38, chr3:50,302,567, plus strand): 5'-GCGCTGCCGGTAAATGTCCTTGGTGTCCCAGTTGAAGGCCCAGCGTGGGCGCCATGCCTC[C>T]CAGTCGATGACTGCCAGCCCTGAGAAGTCAGGAGCAGGTATGGCAGCCAGGATGTCCTGG-3'